The following is an entry in ClinVar:

NM_001365480.1(CCDC88A):c.3566A>G (p.Lys1189Arg)

Gene: CCDC88A (coiled-coil and HOOK domain protein 88A; minus strand). Cytogenetic location: 2p16.1.
Variant type: single nucleotide variant.
Coding change: c.3566A>G on transcript NM_001365480.1 (MANE Select); coding-DNA position 3566, A replaced by G.
Protein change: p.Lys1189Arg; replaces lysine 1189 with arginine.
Molecular consequence: missense variant.
Genome position (GRCh38, 1-based): chr2:55,317,600, T>C on the plus strand (A>G on the coding strand, the complement: CCDC88A is on the minus strand). VCF-style: chr2-55317600-T-C. GRCh37 (hg19) VCF-style: chr2-55544736-T-C.
Other names: c.3563A>G, p.Lys1188Arg (NM_001135597.2, NM_001254943.2); c.3566A>G, p.Lys1189Arg (NM_018084.5); short protein forms K1188R, K1189R.
Identifiers: ClinVar variation 1168915 (VCV001168915.28), dbSNP rs41281501, ClinGen allele CA1665743.
Genomic context (GRCh38, chr2:55,317,600, plus strand): 5'-GTACAACAAAATATAATAAATTACCGGTCTTCAAGGTCTCTATGTTCCACCTCAAGATTT[T>C]TGTGGGCAGACTTCAGAGTTCCATGTTTAGAGATAAGAGATTCATACTCTGAAGCCTGAC-3'
Protein context (NP_001352409.1, residues 1179-1199): SKHGTLKSAH[Lys1189Arg]NLEVEHRDLE

ClinVar aggregate classification (germline): Benign. Review status: criteria provided, multiple submitters, no conflicts (2 of 4 stars). 3 submissions from 3 submitters: Benign (3). Last evaluated 2026-09-01.

Allele frequency attached by ClinVar (database versions not stated): ESP Exome Variant Server 0.00923; gnomAD 0.01025 and 0.01026; gnomAD exomes 0.01155 and 0.01307; ExAC 0.01180; 1000 Genomes Project 30x 0.00703; 1000 Genomes Project 0.00799; TOPMed 0.00840.
gnomAD v4.1: 20,161 of 1,588,280 alleles (1.3%); highest among the groups gnomAD compares: Non-Finnish European, 1.4%; 171 homozygotes.

Submissions (3):

CeGaT Center for Human Genetics Tuebingen
Classification: Benign. Last evaluated: 2026-09-01. Review status: criteria provided, single submitter. Criteria: CeGaT Center For Human Genetics Tuebingen Variant Classification Criteria Version 2. Collection method: clinical testing. Allele origin: germline. Affected: yes. Observed: 9 variant alleles.
Comment: CCDC88A: BS1, BS2

Labcorp Genetics (formerly Invitae), Labcorp
Classification: Benign. Last evaluated: 2026-02-02. Review status: criteria provided, single submitter. Criteria: Invitae Variant Classification Sherloc (09022015). Collection method: clinical testing. Allele origin: germline.

Breakthrough Genomics
Classification: Benign. Review status: criteria provided, single submitter. Criteria: ACMG Guidelines, 2015. Collection method: not provided. Allele origin: germline. Inheritance: Autosomal recessive inheritance. Affected: yes.